The following is an entry in ClinVar:

ClinVar aggregate classification (germline): Pathogenic/Likely pathogenic. Review status: criteria provided, multiple submitters, no conflicts (2 of 4 stars). 3 submissions from 3 submitters: Pathogenic (2); Likely pathogenic (1). Last evaluated 2019-10-17.

Conditions:
Immunodeficiency-centromeric instability-facial anomalies syndrome 2 (ICF2). Identifiers: Orphanet 2268, MedGen C3279748, MONDO:0013553, OMIM 614069.
ZBTB24-related disorder. Also called: ZBTB24-related condition.

Submissions (3):

Breakthrough Genomics
Classification: Pathogenic for Immunodeficiency-centromeric instability-facial anomalies syndrome 2. Last evaluated: 2019-10-17. Review status: criteria provided, single submitter. Criteria: ACMG Guidelines, 2015. Collection method: clinical testing. Allele origin: germline. Affected: yes.
Comment: This variant predicted to cause a frameshift and consequent premature termination of the protein (p.Gln498ValfsTer15). The truncated protein is likely to lack the C2H2-type 8 domain of the protein; this will likely result in loss-of-function. Functional studies explained that the loss of functional Zbtb24 results in the early embryonic lethality suggesting the loss-of-function of the corresponding protein [PMID: 27466202, 30085123].

Blueprint Genetics
Classification: Likely pathogenic for ZBTB24-related disorders. Last evaluated: 2018-12-05. Review status: criteria provided, single submitter. Criteria: ACMG Guidelines, 2015. Collection method: clinical testing. Allele origin: germline. Affected: yes. Observed: 1 variant allele.

GeneDx
Classification: Pathogenic. Last evaluated: 2015-08-29. Review status: criteria provided, single submitter. Criteria: GeneDx Variant Classification (06012015). Collection method: clinical testing. Allele origin: germline. Affected: yes.
Comment: The c.1492_1493delCA deletion in the ZBTB24 gene has not been reported previously as a pathogenic variant nor as a benign polymorphism, to our knowledge. The c.1492_1493delCA variant causes a frameshift starting with codon Glutamine 498, changes this amino acid to a Valine residue, and creates a premature Stop codon at position 15 of the new reading frame, denoted p.Gln498ValfsX15. This deletion is predicted to cause loss of normal protein function through protein truncation. The c.1492_1493delCA variant was not observed in approximately 6,500 individuals of European and African American ancestry in the NHLBI Exome Sequencing Project, indicating it is not a common benign variant in these populations. We interpret c.1492_1493delCA as a pathogenic variant.

NM_014797.3(ZBTB24):c.1492_1493del (p.Gln498fs)

Gene: ZBTB24 (zinc finger and BTB domain containing 24; minus strand). Cytogenetic location: 6q21.
Variant type: Deletion.
Coding change: c.1492_1493del on transcript NM_014797.3 (MANE Select); coding-DNA positions 1492 to 1493, 2 bases deleted (CA; older notation c.1492_1493delCA).
Protein change: p.Gln498fs; shifts the reading frame from glutamine 498.
Molecular consequence: frameshift variant.
Genome position (GRCh38, 1-based): chr6:109,466,452-109,466,453, TG deleted on the plus strand (CA on the coding strand, the reverse complement: ZBTB24 is on the minus strand); deleting any 2 consecutive bases within chr6:109,466,452-109,466,454 gives the same sequence; the c. name uses the placement nearest the transcript's 3' end. VCF-style (leftmost placement, unchanged base first): chr6-109466451-CTG-C. GRCh37 (hg19) VCF-style: chr6-109787654-CTG-C.
Other names: p.Gln498ValfsTer15; c.1492_1493delCA (NM_014797.2); short protein forms Q498fs.
Identifiers: ClinVar variation 429892 (VCV000429892.5), dbSNP rs1131691654, ClinGen allele CA645369394.